The following is an entry in ClinVar:

NM_017613.4(DONSON):c.1474_1475del (p.Gln492fs)

Gene: DONSON (DNA replication fork stabilization factor DONSON; minus strand). Cytogenetic location: 21q22.11.
Variant type: Microsatellite.
Coding change: c.1474_1475del on transcript NM_017613.4 (MANE Select); coding-DNA positions 1474 to 1475, 2 bases deleted (CA; older notation c.1474_1475delCA).
Protein change: p.Gln492fs; shifts the reading frame from glutamine 492.
Molecular consequence: frameshift variant.
Genome position (GRCh38, 1-based): chr21:33,579,438-33,579,439, TG deleted on the plus strand (CA on the coding strand, the reverse complement: DONSON is on the minus strand); deleting any 2 consecutive bases within chr21:33,579,438-33,579,441 gives the same sequence; the c. name uses the placement nearest the transcript's 3' end. VCF-style (leftmost placement, unchanged base first): chr21-33579437-CTG-C. GRCh37 (hg19) VCF-style: chr21-34951743-CTG-C.
Other names: short protein forms Q492fs.
Identifiers: ClinVar variation 3340394 (VCV003340394.3).

ClinVar aggregate classification (germline): Pathogenic/Likely pathogenic. Review status: criteria provided, multiple submitters, no conflicts (2 of 4 stars). 2 submissions from 2 submitters: Pathogenic (1); Likely pathogenic (1). Last evaluated 2024-05-22.

Submissions (2):

Labcorp Genetics (formerly Invitae), Labcorp
Classification: Pathogenic. Last evaluated: 2024-05-22. Review status: criteria provided, single submitter. Criteria: Invitae Variant Classification Sherloc (09022015). Collection method: clinical testing. Allele origin: germline.
Comment: This sequence change creates a premature translational stop signal (p.Gln492Glufs*18) in the DONSON gene. While this is not anticipated to result in nonsense mediated decay, it is expected to disrupt the last 75 amino acid(s) of the DONSON protein. This variant is present in population databases (no rsID available, gnomAD 0.0009%). This premature translational stop signal has been observed in individual(s) with microcephalic dwarfism (PMID: 28191891). This variant disrupts a region of the DONSON protein in which other variant(s) (p.Glu522Argfs*36) have been determined to be pathogenic (Invitae). This suggests that this is a clinically significant region of the protein, and that variants that disrupt it are likely to be disease-causing. For these reasons, this variant has been classified as Pathogenic.

GeneDx
Classification: Likely pathogenic. Last evaluated: 2023-05-31. Review status: criteria provided, single submitter. Criteria: GeneDx Variant Classification Process June 2021. Collection method: clinical testing. Allele origin: germline. Affected: yes.
Comment: Frameshift variant predicted to result in protein truncation, as the last 75 amino acids are replaced with 17 different amino acids, and other loss-of-function variants have been reported downstream in HGMD; Not observed at significant frequency in large population cohorts (gnomAD); This variant is associated with the following publications: (PMID: 28191891)

Literature cited by the submitters: PubMed 28191891 (cited by Labcorp Genetics (formerly Invitae), Labcorp).